The following is an entry in ClinVar:

ClinVar aggregate classification (germline): Uncertain significance. Review status: criteria provided, multiple submitters, no conflicts (2 of 4 stars). 2 submissions from 2 submitters: Uncertain significance (2). Last evaluated 2022-05-14.

Conditions:
Fanconi anemia (FA). Also called: Fanconi's anemia. Identifiers: Orphanet 84, MedGen C0015625, MeSH D005199, MONDO:0019391.
Fanconi anemia complementation group P. Also called: SLX4-Related Fanconi Anemia. Identifiers: Orphanet 84, MedGen C3469542, MONDO:0013499, OMIM 613951.

Allele frequency attached by ClinVar (database versions not stated): gnomAD 0.00004 and 0.00005.
gnomAD v4.1: 10 of 1,587,468 alleles (0.00063%); highest among the groups gnomAD compares: African/African-American, 0.0095%; no homozygotes.

Submissions (2):

Fulgent Genetics
Classification: Uncertain significance for Fanconi anemia complementation group P. Last evaluated: 2022-05-14. Review status: criteria provided, single submitter. Criteria: ACMG Guidelines, 2015. Collection method: clinical testing. Allele origin: unknown.

Labcorp Genetics (formerly Invitae), Labcorp
Classification: Uncertain significance for Fanconi anemia. Last evaluated: 2022-03-18. Review status: criteria provided, single submitter. Criteria: Invitae Variant Classification Sherloc (09022015). Collection method: clinical testing. Allele origin: germline.
Comment: In summary, the available evidence is currently insufficient to determine the role of this variant in disease. Therefore, it has been classified as a Variant of Uncertain Significance. Algorithms developed to predict the effect of missense changes on protein structure and function output the following: SIFT: "Tolerated"; PolyPhen-2: "Benign"; Align-GVGD: "Class C0". The threonine amino acid residue is found in multiple mammalian species, which suggests that this missense change does not adversely affect protein function. This sequence change replaces isoleucine, which is neutral and non-polar, with threonine, which is neutral and polar, at codon 1423 of the SLX4 protein (p.Ile1423Thr). This variant is present in population databases (no rsID available, gnomAD 0.009%). This variant has not been reported in the literature in individuals affected with SLX4-related conditions.

NM_032444.4(SLX4):c.4268T>C (p.Ile1423Thr)

Gene: SLX4 (SLX4 structure-specific endonuclease subunit; minus strand). Cytogenetic location: 16p13.3.
Variant type: single nucleotide variant.
Coding change: c.4268T>C on transcript NM_032444.4 (MANE Select); coding-DNA position 4268, T replaced by C.
Protein change: p.Ile1423Thr; replaces isoleucine 1423 with threonine.
Molecular consequence: missense variant.
Genome position (GRCh38, 1-based): chr16:3,589,370, A>G on the plus strand (T>C on the coding strand, the complement: SLX4 is on the minus strand). VCF-style: chr16-3589370-A-G. GRCh37 (hg19) VCF-style: chr16-3639371-A-G.
Other names: short protein forms I1423T.
Identifiers: ClinVar variation 1417300 (VCV001417300.8), dbSNP rs1056055996, ClinGen allele CA276958385.
Genomic context (GRCh38, chr16:3,589,370, plus strand): 5'-AGGTTCCAGTGGTCAATGGGAATTGGCGAGAGGGGCTCCATGTGCCAGCAGCAGTCGTCA[A>G]TTGGAATTGGGGGGTCACTGTCCAGTGGGGGGCTTCTGTTGGCCTGATGGGAGGCCACCT-3'
Protein context (NP_115820.2, residues 1413-1433): PPLDSDPPIP[Ile1423Thr]DDCCWHMEPL